The following is an entry in ClinVar:

ClinVar aggregate classification (germline): Likely benign. Review status: criteria provided, multiple submitters, no conflicts (2 of 4 stars). 4 submissions from 4 submitters: Likely benign (4). Last evaluated 2025-09-28.

Conditions:
Cardiovascular phenotype. Identifiers: MedGen CN230736.

Allele frequency attached by ClinVar (database versions not stated): gnomAD 0.00001; gnomAD exomes 0.00002; ExAC 0.00005; TOPMed 0.00002.
gnomAD v4.1: 24 of 1,550,272 alleles (0.0015%); highest among the groups gnomAD compares: Non-Finnish European, 0.0021%; no homozygotes.

Submissions (4):

Labcorp Genetics (formerly Invitae), Labcorp
Classification: Likely benign. Last evaluated: 2025-09-28. Review status: criteria provided, single submitter. Criteria: Invitae Variant Classification Sherloc (09022015). Collection method: clinical testing. Allele origin: germline.

Mayo Clinic Laboratories, Mayo Clinic
Classification: Likely benign. Last evaluated: 2025-08-29. Review status: criteria provided, single submitter. Criteria: ACMG Guidelines, 2015. Collection method: clinical testing. Allele origin: germline. Observed: 1 variant allele.
Comment: BP4, BP7

Women's Health and Genetics/Laboratory Corporation of America, LabCorp
Classification: Likely benign. Last evaluated: 2024-11-27. Review status: criteria provided, single submitter. Criteria: LabCorp Variant Classification Summary - May 2015. Collection method: clinical testing. Allele origin: germline.
Comment: Variant summary: ZNF469 c.7302C>T alters a non-conserved nucleotide resulting in a synonymous change. Consensus agreement among computation tools predict no significant impact on normal splicing. However, these predictions have yet to be confirmed by functional studies. The variant allele was found at a frequency of 3.3e-05 in 153498 control chromosomes. The available data on variant occurrences in the general population are insufficient to allow any conclusion about variant significance. To our knowledge, no occurrence of c.7302C>T in individuals affected with Brittle cornea syndrome 1 and no experimental evidence demonstrating its impact on protein function have been reported. ClinVar contains an entry for this variant (Variation ID: 2449478). Based on the evidence outlined above, the variant was classified as likely benign.

Ambry Genetics
Classification: Likely benign for Cardiovascular phenotype. Last evaluated: 2023-01-12. Review status: criteria provided, single submitter. Criteria: Ambry Variant Classification Scheme 2023. Collection method: clinical testing. Allele origin: germline.

NM_001367624.2(ZNF469):c.7302C>T (p.Pro2434=)

Gene: ZNF469 (zinc finger protein 469; plus strand). Cytogenetic location: 16q24.2.
Variant type: single nucleotide variant.
Coding change: c.7302C>T on transcript NM_001367624.2 (MANE Select); coding-DNA position 7302, C replaced by T.
Protein change: p.Pro2434=; no amino-acid change (proline 2434 retained).
Molecular consequence: synonymous variant.
Genome position (GRCh38, 1-based): chr16:88,434,772, C>T. VCF-style: chr16-88434772-C-T. GRCh37 (hg19) VCF-style: chr16-88501180-C-T.
Other names: NM_001127464.1:c.7218C>T; p.Pro2434=.
Identifiers: ClinVar variation 2449478 (VCV002449478.8), dbSNP rs748812352, ClinGen allele CA8225232.